The following is an entry in ClinVar:

NM_030928.4(CDT1):c.49C>T (p.Pro17Ser)

Genes: CDT1 (chromatin licensing and DNA replication factor 1; plus strand), LOC130059759 (ATAC-STARR-seq lymphoblastoid silent region 7878; plus strand). Cytogenetic location: 16q24.3.
Variant type: single nucleotide variant.
Coding change: c.49C>T on transcript NM_030928.4 (MANE Select); coding-DNA position 49, C replaced by T.
Protein change: p.Pro17Ser; replaces proline 17 with serine.
Molecular consequence: missense variant.
Genome position (GRCh38, 1-based): chr16:88,803,880, C>T. VCF-style: chr16-88803880-C-T. GRCh37 (hg19) VCF-style: chr16-88870288-C-T.
Other names: short protein forms P17S.
Identifiers: ClinVar variation 3656674 (VCV003656674.3).

ClinVar aggregate classification (germline): Uncertain significance. Review status: criteria provided, multiple submitters, no conflicts (2 of 4 stars). 2 submissions from 2 submitters: Uncertain significance (2). Last evaluated 2024-09-19.

gnomAD v4.1: 4 of 1,465,664 alleles (0.00027%); highest among the groups gnomAD compares: South Asian, 0.0012%; no homozygotes.

Submissions (2):

Blueprint Genetics
Classification: Uncertain significance. Last evaluated: 2024-09-19. Review status: criteria provided, single submitter. Criteria: ACMG Guidelines, 2015. Collection method: clinical testing. Allele origin: germline.

Labcorp Genetics (formerly Invitae), Labcorp
Classification: Uncertain significance. Last evaluated: 2024-03-16. Review status: criteria provided, single submitter. Criteria: Invitae Variant Classification Sherloc (09022015). Collection method: clinical testing. Allele origin: germline.
Comment: This sequence change replaces proline, which is neutral and non-polar, with serine, which is neutral and polar, at codon 17 of the CDT1 protein (p.Pro17Ser). This variant is not present in population databases (gnomAD no frequency). This variant has not been reported in the literature in individuals affected with CDT1-related conditions. An algorithm developed to predict the effect of missense changes on protein structure and function (PolyPhen-2) suggests that this variant is likely to be tolerated. In summary, the available evidence is currently insufficient to determine the role of this variant in disease. Therefore, it has been classified as a Variant of Uncertain Significance.